The following is an entry in ClinVar:

NM_000138.5(FBN1):c.5447C>T (p.Pro1816Leu)

Gene: FBN1 (fibrillin 1; minus strand). Cytogenetic location: 15q21.1.
Variant type: single nucleotide variant.
Coding change: c.5447C>T on transcript NM_000138.5 (MANE Select); coding-DNA position 5447, C replaced by T.
Protein change: p.Pro1816Leu; replaces proline 1816 with leucine.
Molecular consequence: missense variant.
Genome position (GRCh38, 1-based): chr15:48,452,660, G>A on the plus strand (C>T on the coding strand, the complement: FBN1 is on the minus strand). VCF-style: chr15-48452660-G-A. GRCh37 (hg19) VCF-style: chr15-48744857-G-A.
Other names: c.5447C>T, p.Pro1816Leu (NM_001406716.1); short protein forms P1816L.
Identifiers: ClinVar variation 3386785 (VCV003386785.1).

ClinVar aggregate classification (germline): Uncertain significance (1 of 4 stars; one submission).

Conditions:
Marfan syndrome (MFS). Also called: MARFAN SYNDROME, TYPE I; Marfan syndrome type 1; Marfan's syndrome; FBN1-Related Marfan Syndrome; Marfan syndrome, classic. Identifiers: Orphanet 284963, Orphanet 558, MedGen C0024796, MONDO:0007947, OMIM 154700.

Submission:

All of Us Research Program, National Institutes of Health
Classification: Uncertain significance for Marfan syndrome. Last evaluated: 2024-06-09. Review status: criteria provided, single submitter. Criteria: ACMG Guidelines, 2015. Collection method: clinical testing. Allele origin: germline. Inheritance: Autosomal dominant inheritance. Observed: 1 variant allele, 1 heterozygote.
Comment: This missense variant replaces proline with leucine at codon 1816 of the FBN1 protein. Computational prediction is inconclusive regarding the impact of this variant on protein structure and function (internally defined REVEL score threshold 0.5 < inconclusive < 0.7, PMID: 27666373). To our knowledge, functional studies have not been reported for this variant. This variant has not been reported in individuals affected with FBN1-related disorders in the literature. This variant has not been identified in the general population by the Genome Aggregation Database (gnomAD). The available evidence is insufficient to determine the role of this variant in disease conclusively. Therefore, this variant is classified as a Variant of Uncertain Significance.

This study involves interpretation of variants in research participants for the purpose of population health screening. Participant phenotype was not available at the time of variant classification. Additional details can be found in publication PMID: 35346344, PMCID: PMC8962531